The following is an entry in ClinVar:

ClinVar aggregate classification (germline): Uncertain significance (1 of 4 stars; one submission).

Conditions:
Gnathodiaphyseal dysplasia (GDD). Also called: GNATHODIAPHYSEAL SCLEROSIS; OSTEOGENESIS IMPERFECTA WITH UNUSUAL SKELETAL LESIONS. Identifiers: Orphanet 53697, MedGen C1833736, MONDO:0008151, OMIM 166260.
Autosomal recessive limb-girdle muscular dystrophy type 2L (LGMDR12). Also called: Limb-girdle muscular dystrophy, type 2L; Limb-Girdle Muscular Dystrophy R12 Anoctamin-5-Related (LGMD-R12); MUSCULAR DYSTROPHY, LIMB-GIRDLE, AUTOSOMAL RECESSIVE 12. Identifiers: Orphanet 206549, MedGen C1969785, MONDO:0012652, OMIM 611307.

Allele frequency attached by ClinVar (database versions not stated): gnomAD exomes 0.00001; ExAC 0.00002; TOPMed below 0.00001.
gnomAD v4.1: 3 of 1,613,474 alleles (0.00019%); highest among the groups gnomAD compares: Admixed American, 0.005%; no homozygotes.

Submission:

Labcorp Genetics (formerly Invitae), Labcorp
Classification: Uncertain significance for Autosomal recessive limb-girdle muscular dystrophy type 2L; Gnathodiaphyseal dysplasia. Last evaluated: 2022-01-04. Review status: criteria provided, single submitter. Criteria: Invitae Variant Classification Sherloc (09022015). Collection method: clinical testing. Allele origin: germline.
Comment: This sequence change replaces glutamic acid, which is acidic and polar, with glycine, which is neutral and non-polar, at codon 797 of the ANO5 protein (p.Glu797Gly). This variant is present in population databases (rs772852694, gnomAD 0.009%). This variant has not been reported in the literature in individuals affected with ANO5-related conditions. Advanced modeling of protein sequence and biophysical properties (such as structural, functional, and spatial information, amino acid conservation, physicochemical variation, residue mobility, and thermodynamic stability) performed at Invitae indicates that this missense variant is not expected to disrupt ANO5 protein function. In summary, the available evidence is currently insufficient to determine the role of this variant in disease. Therefore, it has been classified as a Variant of Uncertain Significance.

NM_213599.3(ANO5):c.2390A>G (p.Glu797Gly)

Gene: ANO5 (anoctamin 5; plus strand). Cytogenetic location: 11p14.3.
Variant type: single nucleotide variant.
Coding change: c.2390A>G on transcript NM_213599.3 (MANE Select); coding-DNA position 2390, A replaced by G.
Protein change: p.Glu797Gly; replaces glutamic acid 797 with glycine.
Molecular consequence: missense variant.
Genome position (GRCh38, 1-based): chr11:22,274,723, A>G. VCF-style: chr11-22274723-A-G. GRCh37 (hg19) VCF-style: chr11-22296269-A-G.
Other names: c.2387A>G, p.Glu796Gly (NM_001142649.2); short protein forms E797G, E796G.
Identifiers: ClinVar variation 1435740 (VCV001435740.6), dbSNP rs772852694, ClinGen allele CA5923536.